The following continues an entry in ClinVar:

NM_177438.3(DICER1):c.5428G>T (p.Asp1810Tyr)

Gene: DICER1. ClinVar aggregate classification (germline): Pathogenic. Pathogenic (1). ClinVar aggregate classification (somatic clinical impact): Tier I - Strong.

Submissions 8 to 10 of 10:

Foulkes Cancer Genetics LDI, Lady Davis Institute for Medical Research
Classification: Pathogenic for Pleuropulmonary blastoma. Last evaluated: 2019-07-01. Review status: criteria provided, single submitter. Criteria: ACMG Guidelines, 2015. Collection method: curation. Allele origin: somatic, de novo, unknown. Affected: yes. Observed: 30 variant alleles. Not counted in ClinVar's aggregate classification.
Comment: ACMG criteria met: PS2, PS3, PM1, PM2, PP4

Dr. Peter K. Rogan Lab, Western University
No classification provided (evidence only). Condition: Thyroid cancer, nonmedullary, 1. Review status: no classification provided. Collection method: in vitro. Allele origin: not applicable. Functional consequence: retained intron. Not counted in ClinVar's aggregate classification.

Dr. Peter K. Rogan Lab, Western University
No classification provided (evidence only). Condition: Uterine corpus endometrial carcinoma. Review status: no classification provided. Collection method: in vitro. Allele origin: not applicable. Functional consequence: retained intron. Not counted in ClinVar's aggregate classification.

Literature cited by the submitters: PubMed 26545620 (cited by 4 submitters); PubMed 26925222 (cited by 4 submitters); PubMed 34166060 (cited by Institute for Genomic Medicine (IGM) Clinical Laboratory, Nationwide Children's Hospital); PubMed 31900434 (cited by Institute for Genomic Medicine (IGM) Clinical Laboratory, Nationwide Children's Hospital); PubMed 26461232 (cited by Institute for Genomic Medicine (IGM) Clinical Laboratory, Nationwide Children's Hospital); PubMed 30266945 (cited by Institute for Genomic Medicine (IGM) Clinical Laboratory, Nationwide Children's Hospital and Foulkes Cancer Genetics LDI, Lady Davis Institute for Medical Research); PubMed 33846547 (cited by Institute for Genomic Medicine (IGM) Clinical Laboratory, Nationwide Children's Hospital); PubMed 33135284 (cited by Institute for Genomic Medicine (IGM) Clinical Laboratory, Nationwide Children's Hospital); PubMed 23132766 (cited by Institute for Genomic Medicine (IGM) Clinical Laboratory, Nationwide Children's Hospital); PubMed 31417090 (cited by Institute for Genomic Medicine (IGM) Clinical Laboratory, Nationwide Children's Hospital); PubMed 23868280 (cited by Institute for Genomic Medicine (IGM) Clinical Laboratory, Nationwide Children's Hospital); PubMed 24675358 (cited by Institute for Genomic Medicine (IGM) Clinical Laboratory, Nationwide Children's Hospital and Foulkes Cancer Genetics LDI, Lady Davis Institute for Medical Research); PubMed 24909177 (cited by Institute for Genomic Medicine (IGM) Clinical Laboratory, Nationwide Children's Hospital and Foulkes Cancer Genetics LDI, Lady Davis Institute for Medical Research); PubMed 31603374 (cited by Institute for Genomic Medicine (IGM) Clinical Laboratory, Nationwide Children's Hospital); PubMed 17920623 (cited by Institute for Genomic Medicine (IGM) Clinical Laboratory, Nationwide Children's Hospital); PubMed 28323992 (cited by Institute for Genomic Medicine (IGM) Clinical Laboratory, Nationwide Children's Hospital and Foulkes Cancer Genetics LDI, Lady Davis Institute for Medical Research); PubMed 24617712 (cited by Institute for Genomic Medicine (IGM) Clinical Laboratory, Nationwide Children's Hospital); PubMed 32228164 (cited by Institute for Genomic Medicine (IGM) Clinical Laboratory, Nationwide Children's Hospital); PubMed 30260442 (cited by Institute for Genomic Medicine (IGM) Clinical Laboratory, Nationwide Children's Hospital and Foulkes Cancer Genetics LDI, Lady Davis Institute for Medical Research); PubMed 27459524 (cited by Institute for Genomic Medicine (IGM) Clinical Laboratory, Nationwide Children's Hospital and Foulkes Cancer Genetics LDI, Lady Davis Institute for Medical Research); PubMed 33080613 (cited by Institute for Genomic Medicine (IGM) Clinical Laboratory, Nationwide Children's Hospital); PubMed 21205968 (cited by Foulkes Cancer Genetics LDI, Lady Davis Institute for Medical Research); PubMed 22187960 (cited by Foulkes Cancer Genetics LDI, Lady Davis Institute for Medical Research); PubMed 24136150 (cited by Foulkes Cancer Genetics LDI, Lady Davis Institute for Medical Research); PubMed 26033501 (cited by Foulkes Cancer Genetics LDI, Lady Davis Institute for Medical Research); PubMed 26592504 (cited by Foulkes Cancer Genetics LDI, Lady Davis Institute for Medical Research); PubMed 29037807 (cited by Foulkes Cancer Genetics LDI, Lady Davis Institute for Medical Research); PubMed 29474644 (cited by Foulkes Cancer Genetics LDI, Lady Davis Institute for Medical Research); PubMed 29726952 (cited by Foulkes Cancer Genetics LDI, Lady Davis Institute for Medical Research); PubMed 29881993 (cited by Foulkes Cancer Genetics LDI, Lady Davis Institute for Medical Research).